The following is an entry in ClinVar:

NM_203446.3(SYNJ1):c.1717G>C (p.Glu573Gln)

Gene: SYNJ1 (synaptojanin 1; minus strand). Cytogenetic location: 21q22.11.
Variant type: single nucleotide variant.
Coding change: c.1717G>C on transcript NM_203446.3 (MANE Select); coding-DNA position 1717, G replaced by C.
Protein change: p.Glu573Gln; replaces glutamic acid 573 with glutamine.
Molecular consequence: missense variant.
Genome position (GRCh38, 1-based): chr21:32,673,349, C>G on the plus strand (G>C on the coding strand, the complement: SYNJ1 is on the minus strand). VCF-style: chr21-32673349-C-G. GRCh37 (hg19) VCF-style: chr21-34045659-C-G.
Other names: c.1717G>C, p.Glu573Gln (NM_001160302.2); c.1702G>C, p.Glu568Gln (NM_001160306.2); c.1834G>C, p.Glu612Gln (NM_003895.4); short protein forms E568Q, E573Q, E612Q.
Identifiers: ClinVar variation 939879 (VCV000939879.10), dbSNP rs1057062132, ClinGen allele CA319435753.
Genomic context (GRCh38, chr21:32,673,349, plus strand): 5'-ATACAACACAGTCAGGATTTATTAACTAAATCCATATTATAAAAAGCCAACCTTGAAACT[C>G]CTGGATGCCAGCTAACTTGGGTGCATCAAGAAGCCAGTCAGTGAGTGTCTGATTCTTAAA-3'
Protein context (NP_982271.3, residues 563-583): LDAPKLAGIQ[Glu573Gln]FQDKRSKPTD

ClinVar aggregate classification (germline): Uncertain significance (1 of 4 stars; one submission).

Conditions:
Early-onset Parkinson disease 20. Also called: PARKINSON DISEASE 20, AUTOSOMAL RECESSIVE EARLY-ONSET. Identifiers: Orphanet 391411, MedGen C3809824, MONDO:0014233, OMIM 615530.
Developmental and epileptic encephalopathy, 53. Also called: Epileptic encephalopathy, early infantile, 53. Identifiers: MedGen C4479313, MONDO:0033362, OMIM 617389.

Submission:

Labcorp Genetics (formerly Invitae), Labcorp
Classification: Uncertain significance for Developmental and epileptic encephalopathy, 53; Early-onset Parkinson disease 20. Last evaluated: 2019-10-08. Review status: criteria provided, single submitter. Criteria: Invitae Variant Classification Sherloc (09022015). Collection method: clinical testing. Allele origin: germline.
Comment: This sequence change replaces glutamic acid with glutamine at codon 612 of the SYNJ1 protein (p.Glu612Gln). The glutamic acid residue is moderately conserved and there is a small physicochemical difference between glutamic acid and glutamine. This variant is not present in population databases (ExAC no frequency). This variant has not been reported in the literature in individuals with SYNJ1-related conditions. Algorithms developed to predict the effect of missense changes on protein structure and function (SIFT, PolyPhen-2, Align-GVGD) all suggest that this variant is likely to be tolerated, but these predictions have not been confirmed by published functional studies and their clinical significance is uncertain. In summary, the available evidence is currently insufficient to determine the role of this variant in disease. Therefore, it has been classified as a Variant of Uncertain Significance.